The following is an entry in ClinVar:

NM_014975.3(MAST1):c.1077+6G>T

Gene: MAST1 (microtubule associated serine/threonine kinase 1; plus strand). Cytogenetic location: 19p13.13.
Variant type: single nucleotide variant.
Coding change: c.1077+6G>T on transcript NM_014975.3 (MANE Select); 6 bases into the intron after coding-DNA position 1077, G replaced by T.
Molecular consequence: intron variant.
Genome position (GRCh38, 1-based): chr19:12,852,401, G>T. VCF-style: chr19-12852401-G-T. GRCh37 (hg19) VCF-style: chr19-12963215-G-T.
Identifiers: ClinVar variation 2872810 (VCV002872810.4), dbSNP rs202083683, ClinGen allele CA9232794.

ClinVar aggregate classification (germline): Conflicting classifications of pathogenicity. Review status: criteria provided, conflicting classifications (1 of 4 stars). 2 submissions from 2 submitters: Uncertain significance (1); Likely benign (1). Last evaluated 2024-01-03.

Allele frequency attached by ClinVar (database versions not stated): gnomAD exomes below 0.00001; TOPMed below 0.00001; gnomAD 0.00001; ExAC 0.00002; 1000 Genomes Project 0.00040; 1000 Genomes Project 30x 0.00047.
gnomAD v4.1: 6 of 1,613,858 alleles (0.00037%); highest among the groups gnomAD compares: East Asian, 0.013%; no homozygotes.

Submissions (2):

Labcorp Genetics (formerly Invitae), Labcorp
Classification: Uncertain significance. Last evaluated: 2024-01-03. Review status: criteria provided, single submitter. Criteria: Invitae Variant Classification Sherloc (09022015). Collection method: clinical testing. Allele origin: germline.
Comment: This sequence change falls in intron 10 of the MAST1 gene. It does not directly change the encoded amino acid sequence of the MAST1 protein. It affects a nucleotide within the consensus splice site. This variant is present in population databases (rs202083683, gnomAD 0.02%). This variant has not been reported in the literature in individuals affected with MAST1-related conditions. Variants that disrupt the consensus splice site are a relatively common cause of aberrant splicing (PMID: 17576681, 9536098). Algorithms developed to predict the effect of sequence changes on RNA splicing suggest that this variant is not likely to affect RNA splicing. In summary, the available evidence is currently insufficient to determine the role of this variant in disease. Therefore, it has been classified as a Variant of Uncertain Significance.

Blueprint Genetics
Classification: Likely benign. Last evaluated: 2021-05-27. Review status: criteria provided, single submitter. Criteria: ACMG Guidelines, 2015. Collection method: clinical testing. Allele origin: germline.

Literature cited by the submitters: PubMed 17576681 (cited by Labcorp Genetics (formerly Invitae), Labcorp); PubMed 9536098 (cited by Labcorp Genetics (formerly Invitae), Labcorp).